The following is an entry in ClinVar:

NM_007294.4(BRCA1):c.213-2A>C

Gene: BRCA1 (BRCA1 DNA repair associated; minus strand). Cytogenetic location: 17q21.31.
Variant type: single nucleotide variant.
Coding change: c.213-2A>C on transcript NM_007294.4 (MANE Select); the canonical splice acceptor site of the intron before coding-DNA position 213, A replaced by C.
Molecular consequence: splice acceptor variant. On other transcripts: intron variant (2).
Genome position (GRCh38, 1-based): chr17:43,104,958, T>G on the plus strand (A>C on the coding strand, the complement: BRCA1 is on the minus strand). VCF-style: chr17-43104958-T-G. GRCh37 (hg19) VCF-style: chr17-41256975-T-G.
Other names: c.3-2A>C (NM_001407953.1, NM_001407949.1, NM_001408506.1 and 58 more transcripts); c.213-2A>C (NM_001408408.1, NM_001407647.1, NM_001408446.1 and 167 more transcripts); c.72-2A>C (NM_001408468.1, NM_001407842.1, NM_001407749.1 and 99 more transcripts); c.-218-10098A>C (NM_001407966.1, NM_001407967.1); c.-169-2A>C (NM_001407963.1, NM_001407960.1, NM_001407965.1 and 4 more transcripts); c.135-2A>C (NM_001408413.1, NM_001407660.1, NM_001407661.1 and 21 more transcripts); c.81-2A>C (NM_001408451.1).
Identifiers: ClinVar variation 54473 (VCV000054473.7), dbSNP rs397508940, ClinGen allele CA001431.

ClinVar aggregate classification (germline): Pathogenic (1 of 4 stars; one submission).

Conditions:
Breast-ovarian cancer, familial, susceptibility to, 1 (BROVCA1). Also called: OVARIAN CANCER, SUSCEPTIBILITY TO; BRCA1 Hereditary Breast and Ovarian Cancer. Identifiers: Orphanet 145, MedGen C2676676, MONDO:0011450, OMIM 604370. Disease mechanism: loss of function.

Submissions (2):

Consortium of Investigators of Modifiers of BRCA1/2 (CIMBA), c/o University of Cambridge
Classification: Pathogenic for Breast-ovarian cancer, familial, susceptibility to, 1. Last evaluated: 2015-10-02. Review status: criteria provided, single submitter. Criteria: CIMBA Mutation Classification guidelines May 2016. Collection method: clinical testing. Allele origin: germline.

Brotman Baty Institute, University of Washington
No classification provided (evidence only). Condition: Breast-ovarian cancer, familial 1. Review status: no classification provided. Collection method: in vitro. Allele origin: not applicable. Functional consequence: functionally_abnormal. Not counted in ClinVar's aggregate classification.
ClinVar note: "not provided" was previously submitted as the classification for the variant. However, the classification appeared to be based only on an observation of functional data so it was converted to no classification on 2025-07-30.